The following is an entry in ClinVar:

NM_000219.6(KCNE1):c.362A>T (p.His121Leu)

Gene: KCNE1 (potassium voltage-gated channel subfamily E regulatory subunit 1; minus strand). Cytogenetic location: 21q22.12.
Variant type: single nucleotide variant.
Coding change: c.362A>T on transcript NM_000219.6 (MANE Select); coding-DNA position 362, A replaced by T.
Protein change: p.His121Leu; replaces histidine 121 with leucine.
Molecular consequence: missense variant.
Genome position (GRCh38, 1-based): chr21:34,449,273, T>A on the plus strand (A>T on the coding strand, the complement: KCNE1 is on the minus strand). VCF-style: chr21-34449273-T-A. GRCh37 (hg19) VCF-style: chr21-35821571-T-A.
Other names: c.362A>T, p.His121Leu (NM_001127668.4, NM_001127669.4, NM_001127670.4 and 4 more transcripts); short protein forms H121L.
Identifiers: ClinVar variation 3373818 (VCV003373818.2).

Conditions:
Long QT syndrome 5 (LQT5). Identifiers: Orphanet 101016, Orphanet 768, MedGen C1867904, MONDO:0013372, OMIM 613695.

Submission:

Roden Lab, Vanderbilt University Medical Center
No classification provided (evidence only). Condition: Long QT syndrome 5. Review status: no classification provided. Collection method: in vitro. Allele origin: not applicable. Functional consequence: Effect on ion channel function.
ClinVar note: "not provided" was previously submitted as the classification for the variant. However, the classification appeared to be based only on an observation of functional data so it was converted to no classification on 2025-07-30.